The following is an entry in ClinVar:

NM_000789.4(ACE):c.3727G>A (p.Val1243Ile)

Gene: ACE (angiotensin I converting enzyme; plus strand). Cytogenetic location: 17q23.3.
Variant type: single nucleotide variant.
Coding change: c.3727G>A on transcript NM_000789.4 (MANE Select); coding-DNA position 3727, G replaced by A.
Protein change: p.Val1243Ile; replaces valine 1243 with isoleucine.
Molecular consequence: missense variant. On other transcripts: non-coding transcript variant (1).
Genome position (GRCh38, 1-based): chr17:63,497,172, G>A. VCF-style: chr17-63497172-G-A. GRCh37 (hg19) VCF-style: chr17-61574533-G-A.
Other names: p.Val1243Ile; c.1882G>A, p.Val628Ile (NM_001178057.2); c.3160G>A, p.Val1054Ile (NM_001382700.1); c.2875G>A, p.Val959Ile (NM_001382701.1); c.1342G>A, p.Val448Ile (NM_001382702.1); c.2005G>A, p.Val669Ile (NM_152830.3); short protein forms V1054I, V1243I, V448I, V628I, V669I, V959I.
Identifiers: ClinVar variation 3380511 (VCV003380511.1).
Genomic context (GRCh38, chr17:63,497,172, plus strand): 5'-TGCTGTCTCCTTGCTTCCCGCTCAGCTCGCTCAGAAGGGCCCCTCCCAGACAGCGGCCGC[G>A]TCAGCTTCCTGGGCCTGGACCTGGATGCGCAGCAGGCCCGCGTGGGCCAGTGGCTGCTGC-3'
Protein context (NP_000780.1, residues 1233-1253): SEGPLPDSGR[Val1243Ile]SFLGLDLDAQ

ClinVar aggregate classification (germline): Uncertain significance (1 of 4 stars; one submission).

gnomAD v4.1: 53 of 1,604,088 alleles (0.0033%); highest among the groups gnomAD compares: Middle Eastern, 0.054%; no homozygotes.

Submission:

Mayo Clinic Laboratories, Mayo Clinic
Classification: Uncertain significance. Last evaluated: 2024-08-14. Review status: criteria provided, single submitter. Criteria: ACMG Guidelines, 2015. Collection method: clinical testing. Allele origin: germline. Observed: 1 variant allele.
Comment: BP4